The following is an entry in ClinVar:

ClinVar aggregate classification (germline): Conflicting classifications of pathogenicity. Review status: criteria provided, conflicting classifications (1 of 4 stars). 5 submissions from 5 submitters: Uncertain significance (2); Benign (1); Likely benign (1). 1 of the submissions does not count toward it. Last evaluated 2025-06-01.

Conditions:
JAG1-related disorder. Also called: JAG1-related condition; JAG1-related disorders.
Alagille syndrome due to a JAG1 point mutation. Also called: HEPATIC DUCTULAR HYPOPLASIA, SYNDROMATIC; Alagille Syndrome 1; JAG1-Related Alagille Syndrome. Identifiers: Orphanet 261619, Orphanet 52, MedGen C1956125, MONDO:0016862, OMIM 118450.
Isolated Nonsyndromic Congenital Heart Disease.

Allele frequency attached by ClinVar (database versions not stated): ExAC 0.00003; TOPMed 0.00004; gnomAD 0.00005 and 0.00006; gnomAD exomes 0.00006 and 0.00010.
gnomAD v4.1: 97 of 1,614,150 alleles (0.006%); highest among the groups gnomAD compares: East Asian, 0.18%; no homozygotes.

Submissions (5):

Labcorp Genetics (formerly Invitae), Labcorp
Classification: Likely benign for Alagille syndrome due to a JAG1 point mutation. Last evaluated: 2025-06-01. Review status: criteria provided, single submitter. Criteria: Invitae Variant Classification Sherloc (09022015). Collection method: clinical testing. Allele origin: germline.

GeneDx
Classification: Uncertain significance. Last evaluated: 2023-02-02. Review status: criteria provided, single submitter. Criteria: GeneDx Variant Classification Process June 2021. Collection method: clinical testing. Allele origin: germline. Affected: yes.
Comment: Reported in a patient with congenital hypothyroidism in published literature (Yamaguchi et al., 2020); In silico analysis supports that this missense variant has a deleterious effect on protein structure/function; This variant is associated with the following publications: (PMID: 32459320)

Illumina Laboratory Services, Illumina
Classification: Benign for Isolated Nonsyndromic Congenital Heart Disease. Last evaluated: 2018-01-13. Review status: criteria provided, single submitter. Criteria: ICSL Variant Classification Criteria 13 December 2019. Collection method: clinical testing. Allele origin: germline.
Comment: This variant was observed in the ICSL laboratory as part of a predisposition screen in an ostensibly healthy population. It had not been previously curated by ICSL or reported in the Human Gene Mutation Database (HGMD: prior to June 1st, 2018), and was therefore a candidate for classification through an automated scoring system. Utilizing variant allele frequency, disease prevalence and penetrance estimates, and inheritance mode, an automated score was calculated to assess if this variant is too frequent to cause the disease. Based on the score and internal cut-off values, a variant classified as benign is not then subjected to further curation. The score for this variant resulted in a classification of benign for this disease.

Eurofins Ntd Llc (ga)
Classification: Uncertain significance. Last evaluated: 2017-06-29. Review status: criteria provided, single submitter. Criteria: EGL Classification Definitions 2015. Collection method: clinical testing. Allele origin: germline. Observed: 1 variant allele, 1 heterozygote.

PreventionGenetics, part of Exact Sciences
Classification: Uncertain significance for JAG1-related condition. Last evaluated: 2024-04-17. Review status: no assertion criteria provided. Collection method: clinical testing. Allele origin: germline. Not counted in ClinVar's aggregate classification.
Comment: The JAG1 c.3521C>T variant is predicted to result in the amino acid substitution p.Pro1174Leu. This variant has been reported in individuals with congenital hypothyroidism; however, both patients also harbored variants in the DUOX2 gene (Table S3, Yamaguchi et al. 2020. PubMed ID: 32459320; Table 2, Li et al. 2024. PubMed ID: 38468821). This variant is reported in 0.11% of alleles in individuals of East Asian descent in gnomAD which may be too common to be a primary cause of disease. Although we suspect that this variant may be benign, at this time, the clinical significance of this variant is uncertain due to the absence of conclusive functional and genetic evidence.

NM_000214.3(JAG1):c.3521C>T (p.Pro1174Leu)

Gene: JAG1 (jagged canonical Notch ligand 1; minus strand). Cytogenetic location: 20p12.2.
Variant type: single nucleotide variant.
Coding change: c.3521C>T on transcript NM_000214.3 (MANE Select); coding-DNA position 3521, C replaced by T.
Protein change: p.Pro1174Leu; replaces proline 1174 with leucine.
Molecular consequence: missense variant.
Genome position (GRCh38, 1-based): chr20:10,639,634, G>A on the plus strand (C>T on the coding strand, the complement: JAG1 is on the minus strand). VCF-style: chr20-10639634-G-A. GRCh37 (hg19) VCF-style: chr20-10620282-G-A.
Other names: c.3521C>T, p.Pro1174Leu (LRG_1191t1); short protein forms P1174L.
Identifiers: ClinVar variation 337745 (VCV000337745.19), dbSNP rs775363555, ClinGen allele CA9764197.
Genomic context (GRCh38, chr20:10,639,634, plus strand): 5'-GGGTGTTTTGTCGGCGTGCCGTTGGGGGGCTTCTCTTCTCTGTCTACCAGCGTGTACGCC[G>A]GCTGCTTGGCAAACCGGGCTTTCTGCTGGTGTTTGTCCATGTCGTCCTCTTCTACTTCAG-3'
Protein context (NP_000205.1, residues 1164-1184): HQQKARFAKQ[Pro1174Leu]AYTLVDREEK